The following is an entry in ClinVar:

ClinVar aggregate classification (germline): Pathogenic (1 of 4 stars; one submission).

Submission:

Labcorp Genetics (formerly Invitae), Labcorp
Classification: Pathogenic. Last evaluated: 2024-10-21. Review status: criteria provided, single submitter. Criteria: Invitae Variant Classification Sherloc (09022015). Collection method: clinical testing. Allele origin: germline.
Comment: This sequence change replaces leucine, which is neutral and non-polar, with proline, which is neutral and non-polar, at codon 622 of the OCA2 protein (p.Leu622Pro). This variant is not present in population databases (gnomAD no frequency). This missense change has been observed in individual(s) with clinical features of oculocutaneous albinism (PMID: 31345173; internal data). In at least one individual the data is consistent with being in trans (on the opposite chromosome) from a pathogenic variant. ClinVar contains an entry for this variant (Variation ID: 2419059). Invitae Evidence Modeling of protein sequence and biophysical properties (such as structural, functional, and spatial information, amino acid conservation, physicochemical variation, residue mobility, and thermodynamic stability) indicates that this missense variant is expected to disrupt OCA2 protein function with a positive predictive value of 80%. For these reasons, this variant has been classified as Pathogenic.

Literature cited by the submitters: PubMed 31345173.

NM_000275.3(OCA2):c.1865T>C (p.Leu622Pro)

Gene: OCA2 (OCA2 melanosomal transmembrane protein; minus strand). Cytogenetic location: 15q13.1.
Variant type: single nucleotide variant.
Coding change: c.1865T>C on transcript NM_000275.3 (MANE Select); coding-DNA position 1865, T replaced by C.
Protein change: p.Leu622Pro; replaces leucine 622 with proline.
Molecular consequence: missense variant.
Genome position (GRCh38, 1-based): chr15:27,951,870, A>G on the plus strand (T>C on the coding strand, the complement: OCA2 is on the minus strand). VCF-style: chr15-27951870-A-G. GRCh37 (hg19) VCF-style: chr15-28197016-A-G.
Other names: c.1793T>C, p.Leu598Pro (NM_001300984.2); short protein forms L598P, L622P.
Identifiers: ClinVar variation 2419059 (VCV002419059.6), dbSNP rs2506400688, ClinGen allele CA391364536.